The following is an entry in ClinVar:

NM_144508.5(KNL1):c.3405C>T (p.Ala1135=)

Gene: KNL1 (kinetochore scaffold 1; plus strand). Cytogenetic location: 15q15.1.
Variant type: single nucleotide variant.
Coding change: c.3405C>T on transcript NM_144508.5 (MANE Select); coding-DNA position 3405, C replaced by T.
Protein change: p.Ala1135=; no amino-acid change (alanine 1135 retained).
Molecular consequence: synonymous variant.
Genome position (GRCh38, 1-based): chr15:40,623,669, C>T. VCF-style: chr15-40623669-C-T. GRCh37 (hg19) VCF-style: chr15-40915867-C-T.
Other names: c.3483C>T, p.Ala1161= (NM_170589.5).
Identifiers: ClinVar variation 730097 (VCV000730097.9), dbSNP rs142853192, ClinGen allele CA7483005.

ClinVar aggregate classification (germline): Benign/Likely benign. Review status: criteria provided, multiple submitters, no conflicts (2 of 4 stars). 3 submissions from 3 submitters: Benign (2); Likely benign (1). Last evaluated 2026-01-12.

Conditions:
Microcephaly 4, primary, autosomal recessive. Identifiers: Orphanet 2512, MedGen C1858516, MONDO:0011437, OMIM 604321.
KNL1-related disorder. Also called: KNL1-related condition.

Allele frequency attached by ClinVar (database versions not stated): gnomAD 0.00055 and 0.00073; TOPMed 0.00100; gnomAD exomes 0.00164 and 0.00051; ExAC 0.00165; 1000 Genomes Project 30x 0.00422; 1000 Genomes Project 0.00479.
gnomAD v4.1: 868 of 1,613,818 alleles (0.054%); highest among the groups gnomAD compares: East Asian, 1.8%; 6 homozygotes.

Submissions (3):

PreventionGenetics, part of Exact Sciences
Classification: Benign for KNL1-related condition. Last evaluated: 2026-01-12. Review status: criteria provided, single submitter. Criteria: ACMG Guidelines, 2015. Collection method: clinical testing. Allele origin: germline.
Comment: This variant is classified as benign based on ACMG/AMP sequence variant interpretation guidelines (Richards et al. 2015 PMID: 25741868, with internal and published modifications).

Labcorp Genetics (formerly Invitae), Labcorp
Classification: Benign. Last evaluated: 2019-12-31. Review status: criteria provided, single submitter. Criteria: Invitae Variant Classification Sherloc (09022015). Collection method: clinical testing. Allele origin: germline.

Illumina Laboratory Services, Illumina
Classification: Likely benign for Microcephaly 4, primary, autosomal recessive. Last evaluated: 2017-04-27. Review status: criteria provided, single submitter. Criteria: ICSL Variant Classification Criteria 13 December 2019. Collection method: clinical testing. Allele origin: germline.
Comment: This variant was observed as part of a predisposition screen in an ostensibly healthy population. A literature search was performed for the gene, cDNA change, and amino acid change (where applicable). No publications were found based on this search. Allele frequency data from public databases allowed determination this variant is unlikely to cause disease. Therefore, this variant is classified as likely benign.